The following is an entry in ClinVar:

ClinVar aggregate classification (germline): Uncertain significance (1 of 4 stars; one submission).

Submission:

Women's Health and Genetics/Laboratory Corporation of America, LabCorp
Classification: Uncertain significance. Last evaluated: 2026-03-26. Review status: criteria provided, single submitter. Criteria: LabCorp Variant Classification Summary - May 2015. Collection method: clinical testing. Allele origin: germline.
Comment: Variant summary: HCN4 c.2552C>G (p.Thr851Arg) results in a non-conservative amino acid change in the encoded protein sequence. Algorithms developed to predict the effect of missense changes on protein structure and function are either unavailable or do not agree on the potential impact of this missense change. The variant was absent in 235498 control chromosomes. The available data on variant occurrences in the general population are insufficient to allow any conclusion about variant significance. To our knowledge, no occurrence of c.2552C>G in individuals affected with HCN4-related conditions and no experimental evidence demonstrating its impact on protein function have been reported. No submitters have cited clinical-significance assessments for this variant to ClinVar. Based on the evidence outlined above, the variant was classified as uncertain significance.

NM_005477.3(HCN4):c.2552C>G (p.Thr851Arg)

Gene: HCN4 (hyperpolarization activated cyclic nucleotide gated potassium channel 4; minus strand). Cytogenetic location: 15q24.1.
Variant type: single nucleotide variant.
Coding change: c.2552C>G on transcript NM_005477.3 (MANE Select); coding-DNA position 2552, C replaced by G.
Protein change: p.Thr851Arg; replaces threonine 851 with arginine.
Molecular consequence: missense variant.
Genome position (GRCh38, 1-based): chr15:73,323,541, G>C on the plus strand (C>G on the coding strand, the complement: HCN4 is on the minus strand). VCF-style: chr15-73323541-G-C. GRCh37 (hg19) VCF-style: chr15-73615882-G-C.
Other names: short protein forms T851R.
Identifiers: ClinVar variation 4847676 (VCV004847676.1).